The following is an entry in ClinVar:

NM_000235.4(LIPA):c.739G>A (p.Val247Ile)

Gene: LIPA (lipase A, lysosomal acid type; minus strand). Cytogenetic location: 10q23.31.
Variant type: single nucleotide variant.
Coding change: c.739G>A on transcript NM_000235.4 (MANE Select); coding-DNA position 739, G replaced by A.
Protein change: p.Val247Ile; replaces valine 247 with isoleucine.
Molecular consequence: missense variant.
Genome position (GRCh38, 1-based): chr10:89,223,767, C>T on the plus strand (G>A on the coding strand, the complement: LIPA is on the minus strand). VCF-style: chr10-89223767-C-T. GRCh37 (hg19) VCF-style: chr10-90983524-C-T.
Other names: c.739G>A, p.Val247Ile (NM_001127605.3); c.391G>A, p.Val131Ile (NM_001288979.2); short protein forms V131I, V247I.
Identifiers: ClinVar variation 2146125 (VCV002146125.1), dbSNP rs750153287, ClinGen allele CA5593627.

ClinVar aggregate classification (germline): Uncertain significance (1 of 4 stars; one submission).

Conditions:
Wolman disease (WOLD). Also called: Acid cholesteryl ester hydrolase deficiency, Wolman type; Acid lipase disease; LYSOSOMAL ACID LIPASE DEFICIENCY, ACUTE INFANTILE; LYSOSOMAL ACID LIPASE DEFICIENCY, COMPLETE; LIPA DEFICIENCY, COMPLETE; LAL DEFICIENCY, COMPLETE. Identifiers: Orphanet 75233, MedGen C0043208, MONDO:0019148, OMIM 620151.

Allele frequency attached by ClinVar (database versions not stated): ExAC 0.00002; TOPMed 0.00004; gnomAD 0.00006.
gnomAD v4.1: 28 of 1,613,614 alleles (0.0017%); highest among the groups gnomAD compares: Middle Eastern, 0.016%; no homozygotes.

Submission:

Labcorp Genetics (formerly Invitae), Labcorp
Classification: Uncertain significance for Wolman disease. Last evaluated: 2021-08-31. Review status: criteria provided, single submitter. Criteria: Invitae Variant Classification Sherloc (09022015). Collection method: clinical testing. Allele origin: germline.
Comment: This sequence change replaces valine with isoleucine at codon 247 of the LIPA protein (p.Val247Ile). The valine residue is weakly conserved and there is a small physicochemical difference between valine and isoleucine. This variant is present in population databases (rs750153287, ExAC 0.009%). This variant has not been reported in the literature in individuals affected with LIPA-related conditions. Algorithms developed to predict the effect of missense changes on protein structure and function output the following: SIFT: "Tolerated"; PolyPhen-2: "Benign"; Align-GVGD: "Class C0". The isoleucine amino acid residue is found in multiple mammalian species, which suggests that this missense change does not adversely affect protein function. In summary, the available evidence is currently insufficient to determine the role of this variant in disease. Therefore, it has been classified as a Variant of Uncertain Significance.